The following is an entry in ClinVar:

NM_152383.5(DIS3L2):c.1391_1393del (p.Phe464del)

Gene: DIS3L2 (DIS3 like 3'-5' exoribonuclease 2; plus strand). Cytogenetic location: 2q37.1.
Variant type: Deletion.
Coding change: c.1391_1393del on transcript NM_152383.5 (MANE Select); coding-DNA positions 1391 to 1393, 3 bases deleted (TCT; older notation c.1391_1393delTCT).
Protein change: p.Phe464del; deletes phenylalanine 464.
Molecular consequence: inframe deletion. On other transcripts: non-coding transcript variant (2).
Genome position (GRCh38, 1-based): chr2:232,249,312-232,249,314, TCT deleted; deleting any 3 consecutive bases within chr2:232,249,310-232,249,314 gives the same sequence; the c. name uses the placement nearest the transcript's 3' end. VCF-style (leftmost placement, unchanged base first): chr2-232249309-CCTT-C. GRCh37 (hg19) VCF-style: chr2-233114019-CCTT-C.
Other names: c.1391_1393del, p.Phe464del (NM_001257281.2); short protein forms F464del.
Identifiers: ClinVar variation 966487 (VCV000966487.9), dbSNP rs1693355822, ClinGen allele CA1139657776.
Genomic context (GRCh38, chr2:232,249,309, plus strand): 5'-TGCTTCCCAGGCTGCTGTGTGAGGAGCTGTGCAGCCTCAACCCCATGTCCGACAAGCTGA[CCTT>C]CTCTGTGATCTGGACACTGACTCCAGAGGGCAAGGTAACAACTTACACGTTTTCTTTCTC-3'

ClinVar aggregate classification (germline): Uncertain significance (1 of 4 stars; one submission).

Conditions:
Perlman syndrome (PRLMNS). Identifiers: Orphanet 2849, MedGen C0796113, MONDO:0009965, OMIM 267000.

Submission:

Labcorp Genetics (formerly Invitae), Labcorp
Classification: Uncertain significance for Perlman syndrome. Last evaluated: 2024-02-16. Review status: criteria provided, single submitter. Criteria: Invitae Variant Classification Sherloc (09022015). Collection method: clinical testing. Allele origin: germline.
Comment: This variant, c.1391_1393del, results in the deletion of 1 amino acid(s) of the DIS3L2 protein (p.Phe464del), but otherwise preserves the integrity of the reading frame. This variant is not present in population databases (gnomAD no frequency). This variant has not been reported in the literature in individuals affected with DIS3L2-related conditions. ClinVar contains an entry for this variant (Variation ID: 966487). Experimental studies and prediction algorithms are not available or were not evaluated, and the functional significance of this variant is currently unknown. In summary, the available evidence is currently insufficient to determine the role of this variant in disease. Therefore, it has been classified as a Variant of Uncertain Significance.